The following is an entry in ClinVar:

NM_001034853.2(RPGR):c.967C>G (p.Arg323Gly)

Gene: RPGR (retinitis pigmentosa GTPase regulator; minus strand). Cytogenetic location: Xp11.4.
Variant type: single nucleotide variant.
Coding change: c.967C>G on transcript NM_001034853.2 (MANE Select); coding-DNA position 967, C replaced by G.
Protein change: p.Arg323Gly; replaces arginine 323 with glycine.
Molecular consequence: missense variant. On other transcripts: non-coding transcript variant (6).
Genome position (GRCh38, 1-based): chrX:38,301,339, G>C on the plus strand (C>G on the coding strand, the complement: RPGR is on the minus strand). VCF-style: chrX-38301339-G-C. GRCh37 (hg19) VCF-style: chrX-38160592-G-C.
Other names: c.967C>G, p.Arg323Gly (NM_000328.3, NM_001367246.1, NM_001367247.1 and 1 more transcripts); c.964C>G, p.Arg322Gly (NM_001367245.1, NM_001367249.1, NM_001367250.1); c.997C>G, p.Arg333Gly (NM_001367248.1); short protein forms R323G, R322G, R333G.
Identifiers: ClinVar variation 2756290 (VCV002756290.3), dbSNP rs757712647, ClinGen allele CA412740350.

ClinVar aggregate classification (germline): Uncertain significance (1 of 4 stars; one submission).

Conditions:
Primary ciliary dyskinesia. Also called: Ciliary dyskinesia. Identifiers: Orphanet 244, MedGen C0008780, MONDO:0016575, HP:0012265.

gnomAD v4.1: 1 of 1,206,247 alleles (0.000083%); highest among the groups gnomAD compares: Non-Finnish European, 0.00011%; no homozygotes.

Submission:

Labcorp Genetics (formerly Invitae), Labcorp
Classification: Uncertain significance for Primary ciliary dyskinesia. Last evaluated: 2023-09-06. Review status: criteria provided, single submitter. Criteria: Invitae Variant Classification Sherloc (09022015). Collection method: clinical testing. Allele origin: germline.
Comment: This sequence change replaces arginine, which is basic and polar, with glycine, which is neutral and non-polar, at codon 323 of the RPGR protein (p.Arg323Gly). This variant is not present in population databases (gnomAD no frequency). This variant has not been reported in the literature in individuals affected with RPGR-related conditions. Advanced modeling of protein sequence and biophysical properties (such as structural, functional, and spatial information, amino acid conservation, physicochemical variation, residue mobility, and thermodynamic stability) performed at Invitae indicates that this missense variant is expected to disrupt RPGR protein function. In summary, the available evidence is currently insufficient to determine the role of this variant in disease. Therefore, it has been classified as a Variant of Uncertain Significance.